The following is an entry in ClinVar:

NM_020442.6(VARS2):c.2500C>T (p.Arg834Cys)

Gene: VARS2 (valyl-tRNA synthetase 2, mitochondrial; plus strand). Cytogenetic location: 6p21.33.
Variant type: single nucleotide variant.
Coding change: c.2500C>T on transcript NM_020442.6 (MANE Select); coding-DNA position 2500, C replaced by T.
Protein change: p.Arg834Cys; replaces arginine 834 with cysteine.
Molecular consequence: missense variant.
Genome position (GRCh38, 1-based): chr6:30,924,387, C>T. VCF-style: chr6-30924387-C-T. GRCh37 (hg19) VCF-style: chr6-30892164-C-T.
Other names: p.Arg864Cys; c.2080C>T, p.Arg694Cys (NM_001167733.3); c.2590C>T, p.Arg864Cys (NM_001167734.2); short protein forms R834C, R864C, R694C.
Identifiers: ClinVar variation 377007 (VCV000377007.23), dbSNP rs142520878, ClinGen allele CA3706293.

ClinVar aggregate classification (germline): Benign/Likely benign. Review status: criteria provided, multiple submitters, no conflicts (2 of 4 stars). 7 submissions from 7 submitters: Benign (2); Likely benign (4). 1 of the submissions does not count toward it. Last evaluated 2025-12-27.

Conditions:
VARS2-related disorder. Also called: VARS2-related condition; VARS2-related disorders.

Allele frequency attached by ClinVar (database versions not stated): gnomAD 0.00452 and 0.00488; 1000 Genomes Project 0.00499; ESP Exome Variant Server 0.00547; 1000 Genomes Project 30x 0.00562; TOPMed 0.00670.

Submissions (7):

Labcorp Genetics (formerly Invitae), Labcorp
Classification: Benign. Last evaluated: 2025-12-27. Review status: criteria provided, single submitter. Criteria: Invitae Variant Classification Sherloc (09022015). Collection method: clinical testing. Allele origin: germline.

CeGaT Center for Human Genetics Tuebingen
Classification: Likely benign. Last evaluated: 2025-10-01. Review status: criteria provided, single submitter. Criteria: CeGaT Center For Human Genetics Tuebingen Variant Classification Criteria Version 2. Collection method: clinical testing. Allele origin: germline. Affected: yes. Observed: 1 variant allele.
Comment: VARS2: BP4, BS1

Blueprint Genetics
Classification: Likely benign. Last evaluated: 2024-11-25. Review status: criteria provided, single submitter. Criteria: ACMG Guidelines, 2015. Collection method: clinical testing. Allele origin: germline.

Mayo Clinic Laboratories, Mayo Clinic
Classification: Likely benign. Last evaluated: 2020-06-09. Review status: criteria provided, single submitter. Criteria: ACMG Guidelines, 2015. Collection method: clinical testing. Allele origin: germline. Observed: 4 variant alleles.

GeneDx
Classification: Benign. Last evaluated: 2018-05-21. Review status: criteria provided, single submitter. Criteria: GeneDx Variant Classification Process June 2021. Collection method: clinical testing. Allele origin: germline. Affected: yes.

Center for Pediatric Genomic Medicine, Children's Mercy Hospital and Clinics
Classification: Likely benign. Last evaluated: 2016-12-02. Review status: criteria provided, single submitter. Criteria: ACMG Guidelines, 2015. Collection method: clinical testing. Allele origin: germline.
ClinVar note: Converted during submission from Likely Benign to Likely benign.

PreventionGenetics, part of Exact Sciences
Classification: Benign for VARS2-related condition. Last evaluated: 2024-06-14. Review status: no assertion criteria provided. Collection method: clinical testing. Allele origin: germline. Not counted in ClinVar's aggregate classification.
Comment: This variant is classified as benign based on ACMG/AMP sequence variant interpretation guidelines (Richards et al. 2015 PMID: 25741868, with internal and published modifications).